The following is an entry in ClinVar:

NM_000548.5(TSC2):c.*6G>C

Gene: TSC2 (TSC complex subunit 2; plus strand). Cytogenetic location: 16p13.3.
Variant type: single nucleotide variant.
Coding change: c.*6G>C on transcript NM_000548.5 (MANE Select); 6 bases downstream of the stop codon, G replaced by C.
Molecular consequence: 3 prime UTR variant. On other transcripts: non-coding transcript variant (5).
Genome position (GRCh38, 1-based): chr16:2,088,616, G>C. VCF-style: chr16-2088616-G-C. GRCh37 (hg19) VCF-style: chr16-2138617-G-C.
Other names: c.*6G>C (NM_001077183.3, NM_001114382.3, NM_001318827.2 and 39 more transcripts).
Identifiers: ClinVar variation 3072332 (VCV003072332.2), dbSNP rs397515008, ClinGen allele CA718906077.

ClinVar aggregate classification (germline): Conflicting classifications of pathogenicity. Review status: criteria provided, conflicting classifications (1 of 4 stars). 2 submissions from 2 submitters: Uncertain significance (1); Benign (1). Last evaluated 2025-06-09.

Conditions:
Tuberous sclerosis syndrome (TSC). Also called: Tuberous Sclerosis Complex; Tuberous sclerosis. Identifiers: Orphanet 805, MedGen C0041341, MONDO:0001734.
Tuberous sclerosis 2 (TSC2). Identifiers: Orphanet 805, MedGen C1860707, MONDO:0013199, OMIM 613254.

Allele frequency attached by ClinVar (database versions not stated): TOPMed below 0.00001; gnomAD 0.00001.

Submissions (2):

Myriad Genetics, Inc.
Classification: Benign for Tuberous sclerosis 2. Last evaluated: 2025-06-09. Review status: criteria provided, single submitter. Criteria: Myriad Autosomal Dominant, Autosomal Recessive and X-Linked Classification Criteria (2023). Collection method: clinical testing. Allele origin: unknown.
Comment: This variant is considered benign. This variant occurs in the non-coding 3' untranslated region of the gene, and is not expected to impact protein function.

All of Us Research Program, National Institutes of Health
Classification: Uncertain significance for Tuberous sclerosis syndrome. Last evaluated: 2023-07-10. Review status: criteria provided, single submitter. Criteria: ACMG Guidelines, 2015. Collection method: clinical testing. Allele origin: germline. Inheritance: Autosomal dominant inheritance. Observed: 1 variant allele, 1 heterozygote.
Comment: This variant is located in the 3' untranslated region of the TSC2 gene To our knowledge, functional studies have not been reported for this variant. This variant has not been reported in individuals affected with TSC2-related disorders in the literature. This variant has not been identified in the general population by the Genome Aggregation Database (gnomAD). The available evidence is insufficient to determine the role of this variant in disease conclusively. Therefore, this variant is classified as a Variant of Uncertain Significance.

This study involves interpretation of variants in research participants for the purpose of population health screening. Participant phenotype was not available at the time of variant classification. Additional details can be found in publication PMID: 35346344, PMCID: PMC8962531